The following is an entry in ClinVar:

ClinVar aggregate classification (germline): Conflicting classifications of pathogenicity. Review status: criteria provided, conflicting classifications (1 of 4 stars). 3 submissions from 3 submitters: Likely pathogenic (2); Uncertain significance (1). Last evaluated 2026-09-24.

Conditions:
Familial hyperparathyroidism or Hypocalciuric hypercalcaemia.
CASR-related disorder. Also called: CASR-related condition.
Autosomal dominant hypocalcemia 1 (HYPOC1). Also called: HYPOCALCEMIA, FAMILIAL. Identifiers: MedGen C3715128, MONDO:0011013, OMIM 601198.
Familial hypocalciuric hypercalcemia (FHH). Also called: Familial benign hypercalcemia. Identifiers: Orphanet 405, MedGen C1809471, MONDO:0018458.

Submissions (3):

Cambridge Genomics Laboratory, East Genomic Laboratory Hub, NHS Genomic Medicine Service
Classification: Likely pathogenic for Familial hyperparathyroidism or Hypocalciuric hypercalcaemia. Last evaluated: 2026-09-24. Review status: criteria provided, single submitter. Criteria: ACGS Best Practice Guidelines for Variant Classification in Rare Disease 2020. Collection method: clinical testing. Allele origin: germline. Affected: yes.
Comment: PS4_Moderate,PM2,PP2,PP3,PP4

Labcorp Genetics (formerly Invitae), Labcorp
Classification: Uncertain significance for Familial hypocalciuric hypercalcemia; Autosomal dominant hypocalcemia 1. Last evaluated: 2026-01-15. Review status: criteria provided, single submitter. Criteria: Invitae Variant Classification Sherloc (09022015). Collection method: clinical testing. Allele origin: germline.
Comment: This sequence change replaces lysine, which is basic and polar, with arginine, which is basic and polar, at codon 805 of the CASR protein (p.Lys805Arg). This variant is not present in population databases (gnomAD no frequency). This missense change has been observed in individual(s) with hypocalciuric hypercalcemia (PMID: 32430905, 33434173). It has also been observed to segregate with disease in related individuals. ClinVar contains an entry for this variant (Variation ID: 2098208). An algorithm developed to predict the effect of missense changes on protein structure and function (PolyPhen-2) suggests that this variant is likely to be disruptive. In summary, the available evidence is currently insufficient to determine the role of this variant in disease. Therefore, it has been classified as a Variant of Uncertain Significance.

Blueprint Genetics
Classification: Likely pathogenic for CASR-related disorders. Last evaluated: 2023-02-23. Review status: criteria provided, single submitter. Criteria: ACMG Guidelines, 2015. Collection method: clinical testing. Allele origin: germline. Affected: yes. Observed: 1 variant allele.

Literature cited by the submitters: PubMed 32430905 (cited by Labcorp Genetics (formerly Invitae), Labcorp); PubMed 33434173 (cited by Labcorp Genetics (formerly Invitae), Labcorp).

NM_000388.4(CASR):c.2414A>G (p.Lys805Arg)

Gene: CASR (calcium sensing receptor; plus strand). Cytogenetic location: 3q21.1.
Variant type: single nucleotide variant.
Coding change: c.2414A>G on transcript NM_000388.4 (MANE Select); coding-DNA position 2414, A replaced by G.
Protein change: p.Lys805Arg; replaces lysine 805 with arginine.
Molecular consequence: missense variant.
Genome position (GRCh38, 1-based): chr3:122,284,368, A>G. VCF-style: chr3-122284368-A-G. GRCh37 (hg19) VCF-style: chr3-122003215-A-G.
Other names: c.2444A>G, p.Lys815Arg (NM_001178065.2); short protein forms K805R, K815R.
Identifiers: ClinVar variation 2098208 (VCV002098208.6), dbSNP rs2473279985, ClinGen allele CA354159747.